The following is an entry in ClinVar:

ClinVar aggregate classification (germline): Likely benign. Review status: criteria provided, multiple submitters, no conflicts (2 of 4 stars). 3 submissions from 3 submitters: Likely benign (2). 1 of the submissions does not count toward it. Last evaluated 2026-01-27.

Conditions:
Rhizomelic chondrodysplasia punctata type 3 (RCDP3). Also called: ALKYLDIHYDROXYACETONEPHOSPHATE SYNTHASE DEFICIENCY; Alkylglycerone Phosphate Synthase (AGPS) deficiency. Identifiers: Orphanet 177, Orphanet 309803, MedGen C1838612, MONDO:0010823, OMIM 600121. Disease mechanism: loss of function.

Allele frequency attached by ClinVar (database versions not stated): gnomAD exomes 0.00005 and 0.00011; gnomAD 0.00007 and 0.00008; TOPMed 0.00007; ExAC 0.00008; ESP Exome Variant Server 0.00015.
gnomAD v4.1: 88 of 1,612,402 alleles (0.0055%); highest among the groups gnomAD compares: Non-Finnish European, 0.00068%; 1 homozygote.

Submissions (3):

Labcorp Genetics (formerly Invitae), Labcorp
Classification: Likely benign. Last evaluated: 2026-01-27. Review status: criteria provided, single submitter. Criteria: Invitae Variant Classification Sherloc (09022015). Collection method: clinical testing. Allele origin: germline.

CeGaT Center for Human Genetics Tuebingen
Classification: Likely benign. Last evaluated: 2022-09-01. Review status: criteria provided, single submitter. Criteria: CeGaT Center For Human Genetics Tuebingen Variant Classification Criteria Version 2. Collection method: clinical testing. Allele origin: germline. Affected: yes. Observed: 1 variant allele.
Comment: AGPS: BP4, BP7

Natera, Inc.
Classification: Uncertain significance for Rhizomelic chondrodysplasia punctata, type 3. Last evaluated: 2020-02-13. Review status: no assertion criteria provided. Collection method: clinical testing. Allele origin: germline. Not counted in ClinVar's aggregate classification.

NM_003659.4(AGPS):c.921C>T (p.Phe307=)

Gene: AGPS (alkylglycerone phosphate synthase; plus strand). Cytogenetic location: 2q31.2.
Variant type: single nucleotide variant.
Coding change: c.921C>T on transcript NM_003659.4 (MANE Select); coding-DNA position 921, C replaced by T.
Protein change: p.Phe307=; no amino-acid change (phenylalanine 307 retained).
Molecular consequence: synonymous variant.
Genome position (GRCh38, 1-based): chr2:177,461,943, C>T. VCF-style: chr2-177461943-C-T. GRCh37 (hg19) VCF-style: chr2-178326671-C-T.
Identifiers: ClinVar variation 731559 (VCV000731559.35), dbSNP rs138275695, ClinGen allele CA1980186.